The following is an entry in ClinVar:

ClinVar aggregate classification (germline): Uncertain significance (1 of 4 stars; one submission).

Conditions:
Intellectual developmental disorder, X-linked, syndromic, Claes-Jensen type. Also called: Syndromic X-linked intellectual disability Claes-Jensen type; INTELLECTUAL DEVELOPMENTAL DISORDER, X-LINKED, SYNDROMIC 16; MENTAL RETARDATION, X-LINKED, SYNDROMIC 16. Identifiers: Orphanet 85279, MedGen C1845243, MONDO:0010355, OMIM 300534.

gnomAD v4.1: 1 of 1,206,137 alleles (0.000083%); highest among the groups gnomAD compares: Non-Finnish European, 0.00011%; no homozygotes.

Submission:

Juno Genomics, Hangzhou Juno Genomics, Inc
Classification: Uncertain significance for Intellectual developmental disorder, X-linked, syndromic, Claes-Jensen type. Review status: criteria provided, single submitter. Criteria: ACMG Guidelines, 2015. Collection method: clinical testing. Allele origin: germline.
Comment: Absent from controls (or at extremely low frequency if recessive) in Genome Aggregation Database.;Multiple lines of computational evidence suggest no impact on gene or gene product.;Missense variant in a gene that has a low rate of benign missense variation.

NM_004187.5(KDM5C):c.2807G>A (p.Arg936His)

Gene: KDM5C (lysine demethylase 5C; minus strand). Cytogenetic location: Xp11.22.
Variant type: single nucleotide variant.
Coding change: c.2807G>A on transcript NM_004187.5 (MANE Select); coding-DNA position 2807, G replaced by A.
Protein change: p.Arg936His; replaces arginine 936 with histidine.
Molecular consequence: missense variant. On other transcripts: non-coding transcript variant (3).
Genome position (GRCh38, 1-based): chrX:53,196,860, C>T on the plus strand (G>A on the coding strand, the complement: KDM5C is on the minus strand). VCF-style: chrX-53196860-C-T. GRCh37 (hg19) VCF-style: chrX-53226042-C-T.
Other names: c.2606G>A, p.Arg869His (NM_001146702.2); c.2804G>A, p.Arg935His (NM_001282622.3, NM_001353979.2, NM_001353982.2); c.2807G>A, p.Arg936His (NM_001353978.3, NM_001353981.2, NM_001353984.2); short protein forms R869H, R936H, R935H.
Identifiers: ClinVar variation 5007576 (VCV005007576.2).